The following is an entry in ClinVar:

NM_005629.4(SLC6A8):c.1690_1703del (p.Phe564fs)

Gene: SLC6A8 (solute carrier family 6 member 8; plus strand). Cytogenetic location: Xq28.
Variant type: Deletion.
Coding change: c.1690_1703del on transcript NM_005629.4 (MANE Select); coding-DNA positions 1690 to 1703, 14 bases deleted (TTCGCCCTGTCCTC).
Protein change: p.Phe564fs; shifts the reading frame from phenylalanine 564.
Molecular consequence: frameshift variant.
Genome position (GRCh38, 1-based): chrX:153,694,812-153,694,825, TTCGCCCTGTCCTC deleted; deleting any 14 consecutive bases within chrX:153,694,811-153,694,825 gives the same sequence; the c. name uses the placement nearest the transcript's 3' end. VCF-style (leftmost placement, unchanged base first): chrX-153694810-CCTTCGCCCTGTCCT-C. GRCh37 (hg19) VCF-style: chrX-152960265-CCTTCGCCCTGTCCT-C.
Other names: NM_001142805.2:c.1660_1673del; c.1660_1673del, p.Phe554fs (NM_001142805.2); c.1345_1358del, p.Phe449fs (NM_001142806.1); short protein forms F449fs, F554fs, F564fs.
Identifiers: ClinVar variation 3066426 (VCV003066426.1), dbSNP rs2522170019, ClinGen allele CA915940480.

ClinVar aggregate classification (germline): Pathogenic (3 of 4 stars; one submission).

Conditions:
Creatine transporter deficiency (CCDS1). Also called: Mental retardation , X-linked with seizures, short stature and midface hypoplasia; Mental retardation , X-linked, with creatine transport deficiency; X-linked creatine transporter deficiency; X-linked creatine deficiency syndrome; SLC6A8-Related Creatine Transporter Deficiency; CREATINE TRANSPORTER DEFECT. Identifiers: Orphanet 52503, MedGen C1845862, MONDO:0010305, OMIM 300352.

Submission:

ClinGen Cerebral Creatine Deficiency Syndromes Variant Curation Expert Panel, ClinGen
Classification: Pathogenic for Creatine transporter deficiency. Last evaluated: 2024-03-25. Review status: reviewed by expert panel. Criteria: ClinGen_CCDS_ACMG_Specifications_SLC6A8_v1.1. Collection method: curation. Allele origin: germline. Inheritance: X-linked inheritance.
Comment: The NM_005629.4:c.1690_1703del variant in SLC6A8 is a frameshift variant predicted to cause a premature stop codon in the last 50 nucleotides of the penultimate exon of the gene (p.Phe564HisfsTer21) and therefore to escape nonsense mediated decay. More than 10% of the protein is predicted to be removed (PVS1_Strong). The variant is absent in gnomAD v2.1.1. (PM2_Supporting). There is no ClinVar entry for this variant. In summary, this variant meets criteria to be classified as pathogenic for creatine transporter deficiency. SLC6A8-specific criteria applied, as specified by the ClinGen CCDS VCEP (Specifications Version 1.1.0): PVS1_Strong, PM2_Supporting, PP4_Strong. (Classification approved by the ClinGen CCDS VCEP on March 25, 2024).